The following is an entry in ClinVar:

ClinVar aggregate classification (germline): Uncertain significance (1 of 4 stars; one submission).

Conditions:
CHARGE syndrome (CHARGE). Also called: Hittner Hirsch Kreh syndrome; CHARGE ASSOCIATION--COLOBOMA, HEART ANOMALY, CHOANAL ATRESIA, RETARDATION, GENITAL AND EAR ANOMALIES; Coloboma, heart anomaly, choanal atresia, retardation, genital and ear anomalies; CHARGE association; Hall-Hittner syndrome. Identifiers: Orphanet 138, MedGen C0265354, MONDO:0008965.

gnomAD v4.1: 1 of 1,613,956 alleles (0.000062%); no homozygotes.

Submission:

Labcorp Genetics (formerly Invitae), Labcorp
Classification: Uncertain significance for CHARGE syndrome. Last evaluated: 2025-12-02. Review status: criteria provided, single submitter. Criteria: Invitae Variant Classification Sherloc (09022015). Collection method: clinical testing. Allele origin: germline.
Comment: This sequence change replaces glutamine, which is neutral and polar, with lysine, which is basic and polar, at codon 330 of the CHD7 protein (p.Gln330Lys). This variant is not present in population databases (gnomAD no frequency). This variant has not been reported in the literature in individuals affected with CHD7-related conditions. ClinVar contains an entry for this variant (Variation ID: 2920246). Invitae Evidence Modeling of protein sequence and biophysical properties (such as structural, functional, and spatial information, amino acid conservation, physicochemical variation, residue mobility, and thermodynamic stability) indicates that this missense variant is not expected to disrupt CHD7 protein function with a negative predictive value of 95%. In summary, the available evidence is currently insufficient to determine the role of this variant in disease. Therefore, it has been classified as a Variant of Uncertain Significance.

NM_017780.4(CHD7):c.988C>A (p.Gln330Lys)

Gene: CHD7 (chromodomain helicase DNA binding protein 7; plus strand). Cytogenetic location: 8q12.2.
Variant type: single nucleotide variant.
Coding change: c.988C>A on transcript NM_017780.4 (MANE Select); coding-DNA position 988, C replaced by A.
Protein change: p.Gln330Lys; replaces glutamine 330 with lysine.
Molecular consequence: missense variant.
Genome position (GRCh38, 1-based): chr8:60,742,420, C>A. VCF-style: chr8-60742420-C-A. GRCh37 (hg19) VCF-style: chr8-61654979-C-A.
Other names: c.988C>A, p.Gln330Lys (NM_001316690.1); short protein forms Q330K.
Identifiers: ClinVar variation 2920246 (VCV002920246.3), dbSNP rs1053945677, ClinGen allele CA371300406.